The following is an entry in ClinVar:

ClinVar aggregate classification (germline): Uncertain significance (1 of 4 stars; one submission).

Submission:

GeneDx
Classification: Uncertain significance. Last evaluated: 2022-06-23. Review status: criteria provided, single submitter. Criteria: GeneDx Variant Classification Process June 2021. Collection method: clinical testing. Allele origin: germline. Affected: yes.
Comment: Not observed at significant frequency in large population cohorts (gnomAD); Canonical splice site variant in a gene or region of a gene for which loss of function is not a well-established mechanism of disease; Has not been previously published as pathogenic or benign to our knowledge

NM_001693.4(ATP6V1B2):c.292-1G>A

Gene: ATP6V1B2 (ATPase H+ transporting V1 subunit B2; plus strand). Cytogenetic location: 8p21.3.
Variant type: single nucleotide variant.
Coding change: c.292-1G>A on transcript NM_001693.4 (MANE Select); the canonical splice acceptor site of the intron before coding-DNA position 292, G replaced by A.
Molecular consequence: splice acceptor variant.
Genome position (GRCh38, 1-based): chr8:20,210,345, G>A. VCF-style: chr8-20210345-G-A. GRCh37 (hg19) VCF-style: chr8-20067856-G-A.
Identifiers: ClinVar variation 1806625 (VCV001806625.1), dbSNP rs2486459458, ClinGen allele CA370471219.